The following is an entry in ClinVar:

NM_001184.4(ATR):c.4159G>A (p.Val1387Ile)

Gene: ATR (ATR serine/threonine kinase; minus strand). Cytogenetic location: 3q23.
Variant type: single nucleotide variant.
Coding change: c.4159G>A on transcript NM_001184.4 (MANE Select); coding-DNA position 4159, G replaced by A.
Protein change: p.Val1387Ile; replaces valine 1387 with isoleucine.
Molecular consequence: missense variant.
Genome position (GRCh38, 1-based): chr3:142,522,835, C>T on the plus strand (G>A on the coding strand, the complement: ATR is on the minus strand). VCF-style: chr3-142522835-C-T. GRCh37 (hg19) VCF-style: chr3-142241677-C-T.
Other names: c.3967G>A, p.Val1323Ile (NM_001354579.2); short protein forms V1323I, V1387I.
Identifiers: ClinVar variation 3463328 (VCV003463328.1).

ClinVar aggregate classification (germline): Uncertain significance (1 of 4 stars; one submission).

Conditions:
Inborn genetic diseases. Identifiers: MedGen C0950123, MeSH D030342.

gnomAD v4.1: 1 of 1,605,746 alleles (0.000062%); no homozygotes.

Submission:

Ambry Genetics
Classification: Uncertain significance for Inborn genetic diseases. Last evaluated: 2024-11-01. Review status: criteria provided, single submitter. Criteria: Ambry Variant Classification Scheme 2023. Collection method: clinical testing. Allele origin: germline.
Comment: The p.V1387I variant (also known as c.4159G>A), located in coding exon 23 of the ATR gene, results from a G to A substitution at nucleotide position 4159. The valine at codon 1387 is replaced by isoleucine, an amino acid with highly similar properties. This amino acid position is conserved. In addition, this alteration is predicted to be tolerated by in silico analysis. Based on the available evidence, the clinical significance of this variant remains unclear.